The following is an entry in ClinVar:

NM_001206927.2(DNAH8):c.12854C>G (p.Pro4285Arg)

Gene: DNAH8 (dynein axonemal heavy chain 8; plus strand). Cytogenetic location: 6p21.2.
Variant type: single nucleotide variant.
Coding change: c.12854C>G on transcript NM_001206927.2 (MANE Select); coding-DNA position 12854, C replaced by G.
Protein change: p.Pro4285Arg; replaces proline 4285 with arginine.
Molecular consequence: missense variant.
Genome position (GRCh38, 1-based): chr6:38,982,365, C>G. VCF-style: chr6-38982365-C-G. GRCh37 (hg19) VCF-style: chr6-38950141-C-G.
Other names: c.12203C>G, p.Pro4068Arg (NM_001371.4); short protein forms P4285R, P4068R.
Identifiers: ClinVar variation 1960244 (VCV001960244.2), dbSNP rs1281474390, ClinGen allele CA364007840.

ClinVar aggregate classification (germline): Uncertain significance (1 of 4 stars; one submission).

Conditions:
Primary ciliary dyskinesia. Also called: Ciliary dyskinesia. Identifiers: Orphanet 244, MedGen C0008780, MONDO:0016575, HP:0012265.

gnomAD v4.1: 5 of 1,604,234 alleles (0.00031%); highest among the groups gnomAD compares: Non-Finnish European, 0.00043%; no homozygotes.

Submission:

Labcorp Genetics (formerly Invitae), Labcorp
Classification: Uncertain significance for Primary ciliary dyskinesia. Last evaluated: 2022-07-19. Review status: criteria provided, single submitter. Criteria: Invitae Variant Classification Sherloc (09022015). Collection method: clinical testing. Allele origin: germline.
Comment: This sequence change replaces proline, which is neutral and non-polar, with arginine, which is basic and polar, at codon 4285 of the DNAH8 protein (p.Pro4285Arg). This variant is not present in population databases (gnomAD no frequency). This variant has not been reported in the literature in individuals affected with DNAH8-related conditions. Algorithms developed to predict the effect of missense changes on protein structure and function are either unavailable or do not agree on the potential impact of this missense change (SIFT: "Deleterious"; PolyPhen-2: "Not Available"; Align-GVGD: "Class C0"). In summary, the available evidence is currently insufficient to determine the role of this variant in disease. Therefore, it has been classified as a Variant of Uncertain Significance.